The following is an entry in ClinVar:

NM_001987.5(ETV6):c.938C>G (p.Ala313Gly)

Gene: ETV6 (ETS variant transcription factor 6; plus strand). Cytogenetic location: 12p13.2.
Variant type: single nucleotide variant.
Coding change: c.938C>G on transcript NM_001987.5 (MANE Select); coding-DNA position 938, C replaced by G.
Protein change: p.Ala313Gly; replaces alanine 313 with glycine.
Molecular consequence: missense variant.
Genome position (GRCh38, 1-based): chr12:11,869,898, C>G. VCF-style: chr12-11869898-C-G. GRCh37 (hg19) VCF-style: chr12-12022832-C-G.
Other names: c.935C>G, p.Ala312Gly (NM_001413913.1); c.911C>G, p.Ala304Gly (NM_001413914.1); c.674C>G, p.Ala225Gly (NM_001413915.1); c.938C>G, p.Ala313Gly (NM_001413916.1, NM_001413917.1); short protein forms A304G, A313G, A312G, A225G.
Identifiers: ClinVar variation 4251464 (VCV004251464.1).

ClinVar aggregate classification (germline): Uncertain significance (1 of 4 stars; one submission).

Conditions:
Inborn genetic diseases. Identifiers: MedGen C0950123, MeSH D030342.

gnomAD v4.1: 2 of 1,612,584 alleles (0.00012%); highest among the groups gnomAD compares: South Asian, 0.0011%; no homozygotes.

Submission:

Ambry Genetics
Classification: Uncertain significance for Inborn genetic diseases. Last evaluated: 2025-08-01. Review status: criteria provided, single submitter. Criteria: Ambry Variant Classification Scheme 2023. Collection method: clinical testing. Allele origin: germline.
Comment: The p.A313G variant (also known as c.938C>G), located in coding exon 5 of the ETV6 gene, results from a C to G substitution at nucleotide position 938. The alanine at codon 313 is replaced by glycine, an amino acid with similar properties. This amino acid position is conserved. In addition, this alteration is predicted to be tolerated by in silico analysis. Based on the available evidence, the clinical significance of this variant remains unclear.